The following is an entry in ClinVar:

NM_213599.3(ANO5):c.1801T>C (p.Cys601Arg)

Gene: ANO5 (anoctamin 5; plus strand). Cytogenetic location: 11p14.3.
Variant type: single nucleotide variant.
Coding change: c.1801T>C on transcript NM_213599.3 (MANE Select); coding-DNA position 1801, T replaced by C.
Protein change: p.Cys601Arg; replaces cysteine 601 with arginine.
Molecular consequence: missense variant.
Genome position (GRCh38, 1-based): chr11:22,262,946, T>C. VCF-style: chr11-22262946-T-C. GRCh37 (hg19) VCF-style: chr11-22284492-T-C.
Other names: c.1798T>C, p.Cys600Arg (NM_001142649.2); short protein forms C601R, C600R.
Identifiers: ClinVar variation 880468 (VCV000880468.11), dbSNP rs201467684, ClinGen allele CA5923367.

ClinVar aggregate classification (germline): Uncertain significance. Review status: criteria provided, multiple submitters, no conflicts (2 of 4 stars). 3 submissions from 3 submitters: Uncertain significance (3). Last evaluated 2025-02-22.

Conditions:
Inborn genetic diseases. Identifiers: MedGen C0950123, MeSH D030342.
Gnathodiaphyseal dysplasia (GDD). Also called: GNATHODIAPHYSEAL SCLEROSIS; OSTEOGENESIS IMPERFECTA WITH UNUSUAL SKELETAL LESIONS. Identifiers: Orphanet 53697, MedGen C1833736, MONDO:0008151, OMIM 166260.
Autosomal recessive limb-girdle muscular dystrophy type 2L (LGMDR12). Also called: MUSCULAR DYSTROPHY, LIMB-GIRDLE, AUTOSOMAL RECESSIVE 12; Limb-Girdle Muscular Dystrophy R12 Anoctamin-5-Related (LGMD-R12); Limb-girdle muscular dystrophy, type 2L. Identifiers: Orphanet 206549, MedGen C1969785, MONDO:0012652, OMIM 611307.
ANO5-Related Muscle Diseases. Identifiers: MedGen CN180644.

Allele frequency attached by ClinVar (database versions not stated): gnomAD 0.00001; TOPMed 0.00002; ExAC 0.00004; gnomAD exomes 0.00004; 1000 Genomes Project 30x 0.00016; 1000 Genomes Project 0.00020.
gnomAD v4.1: 8 of 1,610,424 alleles (0.0005%); highest among the groups gnomAD compares: East Asian, 0.018%; no homozygotes.

Submissions (3):

Ambry Genetics
Classification: Uncertain significance for Inborn genetic diseases. Last evaluated: 2025-02-22. Review status: criteria provided, single submitter. Criteria: Ambry Variant Classification Scheme 2023. Collection method: clinical testing. Allele origin: germline.

Labcorp Genetics (formerly Invitae), Labcorp
Classification: Uncertain significance for Autosomal recessive limb-girdle muscular dystrophy type 2L; Gnathodiaphyseal dysplasia. Last evaluated: 2024-09-30. Review status: criteria provided, single submitter. Criteria: Invitae Variant Classification Sherloc (09022015). Collection method: clinical testing. Allele origin: germline.
Comment: This sequence change replaces cysteine, which is neutral and slightly polar, with arginine, which is basic and polar, at codon 601 of the ANO5 protein (p.Cys601Arg). This variant is present in population databases (rs201467684, gnomAD 0.05%). This variant has not been reported in the literature in individuals affected with ANO5-related conditions. ClinVar contains an entry for this variant (Variation ID: 880468). An algorithm developed to predict the effect of missense changes on protein structure and function (PolyPhen-2) suggests that this variant is likely to be disruptive. In summary, the available evidence is currently insufficient to determine the role of this variant in disease. Therefore, it has been classified as a Variant of Uncertain Significance.

Illumina Laboratory Services, Illumina
Classification: Uncertain significance for ANO5-Related Muscle Diseases. Last evaluated: 2017-04-27. Review status: criteria provided, single submitter. Criteria: ICSL Variant Classification Criteria 13 December 2019. Collection method: clinical testing. Allele origin: germline.